The following is an entry in ClinVar:

NM_000059.4(BRCA2):c.3284A>G (p.Gln1095Arg)

Gene: BRCA2 (BRCA2 DNA repair associated; plus strand). Cytogenetic location: 13q13.1.
Variant type: single nucleotide variant.
Coding change: c.3284A>G on transcript NM_000059.4 (MANE Select); coding-DNA position 3284, A replaced by G.
Protein change: p.Gln1095Arg; replaces glutamine 1095 with arginine.
Molecular consequence: missense variant.
Genome position (GRCh38, 1-based): chr13:32,337,639, A>G. VCF-style: chr13-32337639-A-G. GRCh37 (hg19) VCF-style: chr13-32911776-A-G.
Other names: short protein forms Q1095R.
Identifiers: ClinVar variation 531382 (VCV000531382.10), dbSNP rs1555283143, ClinGen allele CA387776104.

ClinVar aggregate classification (germline): Conflicting classifications of pathogenicity. Review status: criteria provided, conflicting classifications (1 of 4 stars). 2 submissions from 2 submitters: Uncertain significance (1); Likely benign (1). Last evaluated 2023-03-23.

Conditions:
Hereditary cancer-predisposing syndrome. Also called: Hereditary neoplastic syndrome; Neoplastic Syndromes, Hereditary; Tumor predisposition; Hereditary Cancer Syndrome. Identifiers: Orphanet 140162, MedGen C0027672, MeSH D009386, MONDO:0015356.
Hereditary breast ovarian cancer syndrome. Also called: Hereditary breast and ovarian cancer syndrome (HBOC); BRCA1- and BRCA2-Associated Hereditary Breast and Ovarian Cancer; Hereditary breast and ovarian cancer syndrome; Breast and ovarian cancer; Hereditary breast and ovarian cancer; Hereditary breast and/or ovarian cancer syndrome. Identifiers: Orphanet 145, MedGen C0677776, MeSH D061325, MONDO:0003582. Disease mechanism: loss of function.

Submissions (2):

University of Washington Department of Laboratory Medicine, University of Washington
Classification: Likely benign for Hereditary cancer-predisposing syndrome. Last evaluated: 2023-03-23. Review status: criteria provided, single submitter. Criteria: Dines et al. (Genet Med. 2020). Collection method: curation. Allele origin: germline.
Comment: Missense variant in a coldspot region where missense variants are very unlikely to be pathogenic (PMID:31911673).

BRCA2 exon 11 coldspot. Reclassification based on statistical prior probability.

Labcorp Genetics (formerly Invitae), Labcorp
Classification: Uncertain significance for Hereditary breast ovarian cancer syndrome. Last evaluated: 2017-11-23. Review status: criteria provided, single submitter. Criteria: Invitae Variant Classification Sherloc (09022015). Collection method: clinical testing. Allele origin: germline.
Comment: In summary, the available evidence is currently insufficient to determine the role of this variant in disease. Therefore, it has been classified as a Variant of Uncertain Significance. Algorithms developed to predict the effect of missense changes on protein structure and function output the following: SIFT: "Tolerated"; PolyPhen-2: "Benign"; Align-GVGD: "Class C0". The arginine amino acid residue is found in multiple mammalian species, suggesting that this missense change does not adversely affect protein function. These predictions have not been confirmed by published functional studies and their clinical significance is uncertain. This variant has not been reported in the literature in individuals with BRCA2-related disease. This variant is not present in population databases (ExAC no frequency). This sequence change replaces glutamine with arginine at codon 1095 of the BRCA2 protein (p.Gln1095Arg). The glutamine residue is moderately conserved and there is a small physicochemical difference between glutamine and arginine.